The following is an entry in ClinVar:

NM_006231.4(POLE):c.331-3T>C

Gene: POLE (DNA polymerase epsilon, catalytic subunit; minus strand). Cytogenetic location: 12q24.33.
Variant type: single nucleotide variant.
Coding change: c.331-3T>C on transcript NM_006231.4 (MANE Select); 3 bases into the intron before coding-DNA position 331, T replaced by C.
Molecular consequence: intron variant.
Genome position (GRCh38, 1-based): chr12:132,680,049, A>G on the plus strand (T>C on the coding strand, the complement: POLE is on the minus strand). VCF-style: chr12-132680049-A-G. GRCh37 (hg19) VCF-style: chr12-133256635-A-G.
Identifiers: ClinVar variation 473585 (VCV000473585.16), dbSNP rs1269825866, ClinGen allele CA658658228.

ClinVar aggregate classification (germline): Conflicting classifications of pathogenicity. Review status: criteria provided, conflicting classifications (1 of 4 stars). 3 submissions from 3 submitters: Uncertain significance (1); Likely benign (2). Last evaluated 2026-01-07.

Conditions:
Hereditary cancer-predisposing syndrome. Also called: Neoplastic Syndromes, Hereditary; Tumor predisposition; Hereditary neoplastic syndrome; Hereditary Cancer Syndrome. Identifiers: Orphanet 140162, MedGen C0027672, MeSH D009386, MONDO:0015356.

Allele frequency attached by ClinVar (database versions not stated): gnomAD exomes 0.00001.
gnomAD v4.1: 7 of 1,612,664 alleles (0.00043%); highest among the groups gnomAD compares: Non-Finnish European, 0.00059%; no homozygotes.

Submissions (3):

Ambry Genetics
Classification: Uncertain significance for Hereditary cancer-predisposing syndrome. Last evaluated: 2026-01-07. Review status: criteria provided, single submitter. Criteria: Ambry Variant Classification Scheme 2023. Collection method: clinical testing. Allele origin: germline.
Comment: The c.331-3T>C intronic variant results from a T to C substitution 3 nucleotides upstream from coding exon 5 in the POLE gene. This nucleotide position is well conserved in available vertebrate species. In silico splice site analysis predicts that this alteration will not have any significant effect on splicing. Based on the available evidence, the clinical significance of this variant remains unclear.

Labcorp Genetics (formerly Invitae), Labcorp
Classification: Likely benign. Last evaluated: 2025-11-17. Review status: criteria provided, single submitter. Criteria: Invitae Variant Classification Sherloc (09022015). Collection method: clinical testing. Allele origin: germline.

GeneDx
Classification: Likely benign. Last evaluated: 2020-12-03. Review status: criteria provided, single submitter. Criteria: GeneDx Variant Classification Process June 2021. Collection method: clinical testing. Allele origin: germline. Affected: yes.